The following is an entry in ClinVar:

NM_152703.5(SAMD9L):c.3749T>C (p.Leu1250Pro)

Gene: SAMD9L (sterile alpha motif domain containing 9 like; minus strand). Cytogenetic location: 7q21.2.
Variant type: single nucleotide variant.
Coding change: c.3749T>C on transcript NM_152703.5 (MANE Select); coding-DNA position 3749, T replaced by C.
Protein change: p.Leu1250Pro; replaces leucine 1250 with proline.
Molecular consequence: missense variant.
Genome position (GRCh38, 1-based): chr7:93,132,223, A>G on the plus strand (T>C on the coding strand, the complement: SAMD9L is on the minus strand). VCF-style: chr7-93132223-A-G. GRCh37 (hg19) VCF-style: chr7-92761536-A-G.
Other names: c.3749T>C, p.Leu1250Pro (NM_001350085.2, NM_001303496.3, NM_001303497.3 and 5 more transcripts); short protein forms L1250P.
Identifiers: ClinVar variation 4159390 (VCV004159390.1).

ClinVar aggregate classification (germline): Uncertain significance (1 of 4 stars; one submission).

Conditions:
Inborn genetic diseases. Identifiers: MedGen C0950123, MeSH D030342.

Submission:

Ambry Genetics
Classification: Uncertain significance for Inborn genetic diseases. Last evaluated: 2025-08-11. Review status: criteria provided, single submitter. Criteria: Ambry Variant Classification Scheme 2023. Collection method: clinical testing. Allele origin: germline.
Comment: The p.L1250P variant (also known as c.3749T>C), located in coding exon 1 of the SAMD9L gene, results from a T to C substitution at nucleotide position 3749. The leucine at codon 1250 is replaced by proline, an amino acid with similar properties. This amino acid position is conserved. In addition, the in silico prediction for this alteration is inconclusive. Based on the available evidence, the clinical significance of this variant remains unclear.